The following is an entry in ClinVar:

ClinVar aggregate classification (germline): Uncertain significance. Review status: criteria provided, multiple submitters, no conflicts (2 of 4 stars). 2 submissions from 2 submitters: Uncertain significance (2). Last evaluated 2022-03-22.

Conditions:
LAMA2-related muscular dystrophy (LAMA2-RD). Also called: Laminin alpha 2-related dystrophy. Identifiers: MedGen C5679788, MONDO:0100228.

Allele frequency attached by ClinVar (database versions not stated): gnomAD exomes 0.00001; TOPMed 0.00001.
gnomAD v4.1: 9 of 1,612,738 alleles (0.00056%); highest among the groups gnomAD compares: Non-Finnish European, 0.00076%; no homozygotes.

Submissions (2):

Labcorp Genetics (formerly Invitae), Labcorp
Classification: Uncertain significance for LAMA2-related muscular dystrophy. Last evaluated: 2022-03-22. Review status: criteria provided, single submitter. Criteria: Invitae Variant Classification Sherloc (09022015). Collection method: clinical testing. Allele origin: germline.
Comment: This sequence change replaces aspartic acid, which is acidic and polar, with glutamic acid, which is acidic and polar, at codon 2779 of the LAMA2 protein (p.Asp2779Glu). This variant is present in population databases (no rsID available, gnomAD 0.0009%). This variant has not been reported in the literature in individuals affected with LAMA2-related conditions. Advanced modeling of protein sequence and biophysical properties (such as structural, functional, and spatial information, amino acid conservation, physicochemical variation, residue mobility, and thermodynamic stability) performed at Invitae indicates that this missense variant is not expected to disrupt LAMA2 protein function. Algorithms developed to predict the effect of sequence changes on RNA splicing suggest that this variant may create or strengthen a splice site. In summary, the available evidence is currently insufficient to determine the role of this variant in disease. Therefore, it has been classified as a Variant of Uncertain Significance.

Revvity Omics, Revvity
Classification: Uncertain significance. Last evaluated: 2022-01-25. Review status: criteria provided, single submitter. Criteria: ACMG Guidelines, 2015. Collection method: clinical testing. Allele origin: germline.

NM_000426.4(LAMA2):c.8337T>A (p.Asp2779Glu)

Genes: LAMA2 (laminin subunit alpha 2; plus strand), LOC126859784 (CDK7 strongly-dependent group 2 enhancer GRCh37_chr6:129822854-129824053; plus strand). Cytogenetic location: 6q22.33.
Variant type: single nucleotide variant.
Coding change: c.8337T>A on transcript NM_000426.4 (MANE Select); coding-DNA position 8337, T replaced by A.
Protein change: p.Asp2779Glu; replaces aspartic acid 2779 with glutamic acid.
Molecular consequence: missense variant.
Genome position (GRCh38, 1-based): chr6:129,502,751, T>A. VCF-style: chr6-129502751-T-A. GRCh37 (hg19) VCF-style: chr6-129823896-T-A.
Other names: c.8325T>A, p.Asp2775Glu (NM_001079823.2); short protein forms D2779E, D2775E.
Identifiers: ClinVar variation 2081858 (VCV002081858.4), dbSNP rs1289298927, ClinGen allele CA365633902.